The following is an entry in ClinVar:

NM_001374385.1(ATP8B1):c.113C>G (p.Ser38Cys)

Gene: ATP8B1 (ATPase phospholipid transporting 8B1; minus strand). Cytogenetic location: 18q21.31.
Variant type: single nucleotide variant.
Coding change: c.113C>G on transcript NM_001374385.1 (MANE Select); coding-DNA position 113, C replaced by G.
Protein change: p.Ser38Cys; replaces serine 38 with cysteine.
Molecular consequence: missense variant.
Genome position (GRCh38, 1-based): chr18:57,731,695, G>C on the plus strand (C>G on the coding strand, the complement: ATP8B1 is on the minus strand). VCF-style: chr18-57731695-G-C. GRCh37 (hg19) VCF-style: chr18-55398927-G-C.
Other names: c.61C>G, p.Leu21Val (NM_001374386.1); c.113C>G, p.Ser38Cys (NM_005603.6); short protein forms L21V, S38C.
Identifiers: ClinVar variation 3029615 (VCV003029615.2), dbSNP rs2511877774, ClinGen allele CA402557113.
Genomic context (GRCh38, chr18:57,731,695, plus strand): 5'-AATGGCTCCCGGTTCTCCTCTGCTTCCCTGTTGACTCGGTTTTGTTCTGGTTCAACAGCA[G>C]ACCCCTGGTCATCAAGTTCATCTTCTGTTTCATCATCACTGTAGGGAACCACTTCGTCAT-3'
Protein context (NP_001361314.1, residues 28-48): ETEDELDDQG[Ser38Cys]AVEPEQNRVN

ClinVar aggregate classification (germline): Uncertain significance (0 of 4 stars; one submission).

Conditions:
ATP8B1-related disorder. Also called: ATP8B1-related condition; ATP8B1-related disorders.

Submission:

PreventionGenetics, part of Exact Sciences
Classification: Uncertain significance for ATP8B1-related condition. Last evaluated: 2024-01-05. Review status: no assertion criteria provided. Collection method: clinical testing. Allele origin: germline.
Comment: The ATP8B1 c.113C>G variant is predicted to result in the amino acid substitution p.Ser38Cys. To our knowledge, this variant has not been reported in the literature or in a large population database, indicating this variant is rare. At this time, the clinical significance of this variant is uncertain due to the absence of conclusive functional and genetic evidence.